The following is an entry in ClinVar:

ClinVar aggregate classification (germline): Uncertain significance (1 of 4 stars; one submission).

Allele frequency attached by ClinVar (database versions not stated): gnomAD 0.00001; gnomAD exomes 0.00001; TOPMed 0.00001.
gnomAD v4.1: 5 of 1,614,110 alleles (0.00031%); highest among the groups gnomAD compares: Non-Finnish European, 0.00034%; no homozygotes.

Submission:

Labcorp Genetics (formerly Invitae), Labcorp
Classification: Uncertain significance. Last evaluated: 2023-08-04. Review status: criteria provided, single submitter. Criteria: Invitae Variant Classification Sherloc (09022015). Collection method: clinical testing. Allele origin: germline.
Comment: This sequence change replaces arginine, which is basic and polar, with serine, which is neutral and polar, at codon 113 of the PDE6C protein (p.Arg113Ser). In summary, the available evidence is currently insufficient to determine the role of this variant in disease. Therefore, it has been classified as a Variant of Uncertain Significance. Advanced modeling of protein sequence and biophysical properties (such as structural, functional, and spatial information, amino acid conservation, physicochemical variation, residue mobility, and thermodynamic stability) performed at Invitae indicates that this missense variant is not expected to disrupt PDE6C protein function. ClinVar contains an entry for this variant (Variation ID: 1493547). This variant has not been reported in the literature in individuals affected with PDE6C-related conditions. This variant is present in population databases (no rsID available, gnomAD 0.002%).

NM_006204.4(PDE6C):c.339G>T (p.Arg113Ser)

Gene: PDE6C (phosphodiesterase 6C; plus strand). Cytogenetic location: 10q23.33.
Variant type: single nucleotide variant.
Coding change: c.339G>T on transcript NM_006204.4 (MANE Select); coding-DNA position 339, G replaced by T.
Protein change: p.Arg113Ser; replaces arginine 113 with serine.
Molecular consequence: missense variant.
Genome position (GRCh38, 1-based): chr10:93,613,064, G>T. VCF-style: chr10-93613064-G-T. GRCh37 (hg19) VCF-style: chr10-95372821-G-T.
Other names: short protein forms R113S.
Identifiers: ClinVar variation 1493547 (VCV001493547.6), dbSNP rs1048987485, ClinGen allele CA211568278.